The following is an entry in ClinVar:

ClinVar aggregate classification (germline): Uncertain significance (1 of 4 stars; one submission).

Conditions:
Christianson syndrome (MRXSCH). Also called: INTELLECTUAL DEVELOPMENTAL DISORDER, X-LINKED, SYNDROMIC, CHRISTIANSON TYPE; X-linked mental retardation, syndromic, Christianson type; SLC9A6-Related Syndromic Mental Retardation. Identifiers: Orphanet 85278, MedGen C2678194, MONDO:0010278, OMIM 300243.

Allele frequency attached by ClinVar (database versions not stated): TOPMed 0.00001.

Submission:

Labcorp Genetics (formerly Invitae), Labcorp
Classification: Uncertain significance for Christianson syndrome. Last evaluated: 2023-07-15. Review status: criteria provided, single submitter. Criteria: Invitae Variant Classification Sherloc (09022015). Collection method: clinical testing. Allele origin: germline.
Comment: Advanced modeling of protein sequence and biophysical properties (such as structural, functional, and spatial information, amino acid conservation, physicochemical variation, residue mobility, and thermodynamic stability) performed at Invitae indicates that this missense variant is not expected to disrupt SLC9A6 protein function. In summary, the available evidence is currently insufficient to determine the role of this variant in disease. Therefore, it has been classified as a Variant of Uncertain Significance. This variant has not been reported in the literature in individuals affected with SLC9A6-related conditions. This variant is not present in population databases (gnomAD no frequency). This sequence change replaces glycine, which is neutral and non-polar, with valine, which is neutral and non-polar, at codon 596 of the SLC9A6 protein (p.Gly596Val).

NM_001379110.1(SLC9A6):c.1817G>T (p.Gly606Val)

Gene: SLC9A6 (solute carrier family 9 member A6; plus strand). Cytogenetic location: Xq26.3.
Variant type: single nucleotide variant.
Coding change: c.1817G>T on transcript NM_001379110.1 (MANE Select); coding-DNA position 1817, G replaced by T.
Protein change: p.Gly606Val; replaces glycine 606 with valine.
Molecular consequence: missense variant.
Genome position (GRCh38, 1-based): chrX:136,044,501, G>T. VCF-style: chrX-136044501-G-T. GRCh37 (hg19) VCF-style: chrX-135126660-G-T.
Other names: c.1883G>T, p.Gly628Val (NM_001042537.2); c.1727G>T, p.Gly576Val (NM_001177651.2, NM_001400909.1, NM_001400910.1 and 2 more transcripts); c.1631G>T, p.Gly544Val (NM_001330652.2, NM_001400913.1); c.1787G>T, p.Gly596Val (NM_006359.3); short protein forms G576V, G544V, G596V, G606V, G628V.
Identifiers: ClinVar variation 2743427 (VCV002743427.3), dbSNP rs2071564269, ClinGen allele CA414756708.